The following is an entry in ClinVar:

ClinVar aggregate classification (germline): Uncertain significance (1 of 4 stars; one submission).

Submission:

Labcorp Genetics (formerly Invitae), Labcorp
Classification: Uncertain significance. Last evaluated: 2024-08-08. Review status: criteria provided, single submitter. Criteria: Invitae Variant Classification Sherloc (09022015). Collection method: clinical testing. Allele origin: germline.
Comment: This sequence change creates a premature translational stop signal (p.Trp958*) in the MAGEL2 gene. While this is not anticipated to result in nonsense mediated decay, it is expected to disrupt the last 292 amino acid(s) of the MAGEL2 protein. This variant is not present in population databases (gnomAD no frequency). This premature translational stop signal has been observed in individual(s) with Schaaf-Yang syndrome (PMID: 27195816, 33076953, 36212160). In at least one individual the variant was observed to be de novo. Experimental studies and prediction algorithms are not available or were not evaluated, and the functional significance of this variant is currently unknown. In summary, the available evidence is currently insufficient to determine the role of this variant in disease. Therefore, it has been classified as a Variant of Uncertain Significance.

Literature cited by the submitters: PubMed 27195816; PubMed 33076953; PubMed 36212160.

NM_019066.5(MAGEL2):c.2873G>A (p.Trp958Ter)

Gene: MAGEL2 (MAGE family member L2; minus strand). Cytogenetic location: 15q11.2.
Variant type: single nucleotide variant.
Coding change: c.2873G>A on transcript NM_019066.5 (MANE Select); coding-DNA position 2873, G replaced by A.
Protein change: p.Trp958Ter; replaces tryptophan 958 with a stop codon.
Molecular consequence: nonsense.
Genome position (GRCh38, 1-based): chr15:23,644,870, C>T on the plus strand (G>A on the coding strand, the complement: MAGEL2 is on the minus strand). VCF-style: chr15-23644870-C-T. GRCh37 (hg19) VCF-style: chr15-23890017-C-T.
Other names: short protein forms W958*.
Identifiers: ClinVar variation 3721601 (VCV003721601.2).
Genomic context (GRCh38, chr15:23,644,870, plus strand): 5'-GCCCTGGAGGTGCTCGGGCCCTCCCAGGCACTCAGGGCCCAGGATGCGCTGGGCCCTTCC[C>T]AGCCACTCAGGATCCTGGAGGTGCTAGGGCCCTCCCAACCACTCAGGCCACGGGGGGTGT-3'